The following is an entry in ClinVar:

ClinVar aggregate classification (germline): Conflicting classifications of pathogenicity. Review status: criteria provided, conflicting classifications (1 of 4 stars). 3 submissions from 3 submitters: Uncertain significance (1); Benign (2). Last evaluated 2026-01-24.

Allele frequency attached by ClinVar (database versions not stated): ExAC 0.00097; gnomAD 0.00261 and 0.00274; TOPMed 0.00306; ESP Exome Variant Server 0.00338; 1000 Genomes Project 0.00459; 1000 Genomes Project 30x 0.00500.
gnomAD v4.1: 766 of 1,614,126 alleles (0.047%); highest among the groups gnomAD compares: African/African-American, 0.94%; 4 homozygotes.

Submissions (3):

Labcorp Genetics (formerly Invitae), Labcorp
Classification: Benign. Last evaluated: 2026-01-24. Review status: criteria provided, single submitter. Criteria: Invitae Variant Classification Sherloc (09022015). Collection method: clinical testing. Allele origin: germline.

Blueprint Genetics
Classification: Benign. Last evaluated: 2024-11-13. Review status: criteria provided, single submitter. Criteria: ACMG Guidelines, 2015. Collection method: clinical testing. Allele origin: germline.

GeneDx
Classification: Uncertain significance. Last evaluated: 2017-06-22. Review status: criteria provided, single submitter. Criteria: GeneDx Variant Classification (06012015). Collection method: clinical testing. Allele origin: germline. Affected: yes.
Comment: The V237L variant in the CA4 gene has not been reported previously as a pathogenic variant, nor as a benign variant, to our knowledge. The V237L variant is observed in 106/10216 (1.04%) alleles from individuals of African background in the ExAC dataset (Lek et al., 2016). The V237L variant is a conservative amino acid substitution, which is not likely to impact secondary protein structure as these residues share similar properties. This substitution occurs at a position that is conserved across species. In silico analysis is inconsistent in its predictions as to whether or not the variant is damaging to the protein structure/function. We interpret V237L as a variant of uncertain significance.

NM_000717.5(CA4):c.709G>T (p.Val237Leu)

Gene: CA4 (carbonic anhydrase 4; plus strand). Cytogenetic location: 17q23.1.
Variant type: single nucleotide variant.
Coding change: c.709G>T on transcript NM_000717.5 (MANE Select); coding-DNA position 709, G replaced by T.
Protein change: p.Val237Leu; replaces valine 237 with leucine.
Molecular consequence: missense variant. On other transcripts: non-coding transcript variant (1).
Genome position (GRCh38, 1-based): chr17:60,158,411, G>T. VCF-style: chr17-60158411-G-T. GRCh37 (hg19) VCF-style: chr17-58235772-G-T.
Other names: short protein forms V237L.
Identifiers: ClinVar variation 450002 (VCV000450002.11), dbSNP rs2229178, ClinGen allele CA8685488.